The following is an entry in ClinVar:

ClinVar aggregate classification (germline): Pathogenic. Review status: criteria provided, multiple submitters, no conflicts (2 of 4 stars). 2 submissions from 2 submitters: Pathogenic (2). Last evaluated 2017-11-30.

Conditions:
Hereditary cancer-predisposing syndrome. Also called: Tumor predisposition; Hereditary Cancer Syndrome; Neoplastic Syndromes, Hereditary; Hereditary neoplastic syndrome. Identifiers: Orphanet 140162, MedGen C0027672, MeSH D009386, MONDO:0015356.
Hereditary breast ovarian cancer syndrome. Also called: Hereditary breast and ovarian cancer; Breast and ovarian cancer; Hereditary breast and/or ovarian cancer syndrome; Hereditary breast and ovarian cancer syndrome; BRCA1- and BRCA2-Associated Hereditary Breast and Ovarian Cancer; Hereditary breast and ovarian cancer syndrome (HBOC). Identifiers: Orphanet 145, MedGen C0677776, MeSH D061325, MONDO:0003582. Disease mechanism: loss of function.

Submissions (2):

Ambry Genetics
Classification: Pathogenic for Hereditary cancer-predisposing syndrome. Last evaluated: 2017-11-30. Review status: criteria provided, single submitter. Criteria: Ambry Variant Classification Scheme 2023. Collection method: clinical testing. Allele origin: germline.
Comment: The c.1029dupA pathogenic mutation, located in coding exon 9 of the BRCA2 gene, results from a duplication of A at nucleotide position 1029, causing a translational frameshift with a predicted alternate stop codon (p.S344Ifs*2). This alteration is expected to result in loss of function by premature protein truncation or nonsense-mediated mRNA decay. As such, this alteration is interpreted as a disease-causing mutation.

Labcorp Genetics (formerly Invitae), Labcorp
Classification: Pathogenic for Hereditary breast ovarian cancer syndrome. Last evaluated: 2017-05-12. Review status: criteria provided, single submitter. Criteria: Invitae Variant Classification Sherloc (09022015). Collection method: clinical testing. Allele origin: germline.
Comment: This sequence change inserts 1 nucleotide in exon 10 of the BRCA2 mRNA (c.1029dupA), causing a frameshift at codon 344. This creates a premature translational stop signal (p.Ser344Ilefs*2) and is expected to result in an absent or disrupted protein product. For these reasons, this sequence change has been classified as Pathogenic. While this particular sequence change has not been reported in the literature, truncating sequence changes in BRCA2 are known to be pathogenic (PMID: 20104584).

Literature cited by the submitters: PubMed 20104584 (cited by Labcorp Genetics (formerly Invitae), Labcorp).

NM_000059.4(BRCA2):c.1029dup (p.Ser344fs)

Gene: BRCA2 (BRCA2 DNA repair associated; plus strand). Cytogenetic location: 13q13.1.
Variant type: Duplication.
Coding change: c.1029dup on transcript NM_000059.4 (MANE Select); coding-DNA position 1029, one base duplicated (A; older notation c.1029dupA).
Protein change: p.Ser344fs; shifts the reading frame from serine 344.
Molecular consequence: frameshift variant.
Genome position (GRCh38, 1-based): chr13:32,332,507, A duplicated; the last of 5 consecutive A bases (chr13:32,332,503-32,332,507); duplicating any one gives the same sequence. VCF-style (leftmost placement, unchanged base first): chr13-32332502-G-GA. GRCh37 (hg19) VCF-style: chr13-32906639-G-GA.
Other names: short protein forms S344fs.
Identifiers: ClinVar variation 822041 (VCV000822041.13), dbSNP rs80359260, ClinGen allele CA915946955.